The following is an entry in ClinVar:

ClinVar aggregate classification (germline): Uncertain significance (1 of 4 stars; one submission).

Submission:

Labcorp Genetics (formerly Invitae), Labcorp
Classification: Uncertain significance. Last evaluated: 2025-10-14. Review status: criteria provided, single submitter. Criteria: Invitae Variant Classification Sherloc (09022015). Collection method: clinical testing. Allele origin: germline.
Comment: This sequence change replaces methionine, which is neutral and non-polar, with valine, which is neutral and non-polar, at codon 135 of the MFAP5 protein (p.Met135Val). This variant is not present in population databases (gnomAD no frequency). This variant has not been reported in the literature in individuals affected with MFAP5-related conditions. An algorithm developed to predict the effect of missense changes on protein structure and function (PolyPhen-2) suggests that this variant is likely to be disruptive. In summary, the available evidence is currently insufficient to determine the role of this variant in disease. Therefore, it has been classified as a Variant of Uncertain Significance.

NM_003480.4(MFAP5):c.403A>G (p.Met135Val)

Gene: MFAP5 (microfibril associated protein 5; minus strand). Cytogenetic location: 12p13.31.
Variant type: single nucleotide variant.
Coding change: c.403A>G on transcript NM_003480.4 (MANE Select); coding-DNA position 403, A replaced by G.
Protein change: p.Met135Val; replaces methionine 135 with valine.
Molecular consequence: missense variant. On other transcripts: non-coding transcript variant (2), intron variant (1).
Genome position (GRCh38, 1-based): chr12:8,649,507, T>C on the plus strand (A>G on the coding strand, the complement: MFAP5 is on the minus strand). VCF-style: chr12-8649507-T-C. GRCh37 (hg19) VCF-style: chr12-8802103-T-C.
Other names: c.373A>G, p.Met125Val (NM_001297709.2); c.337A>G, p.Met113Val (NM_001297710.2); c.328A>G, p.Met110Val (NM_001297711.2); c.218-1304A>G (NM_001297712.2); short protein forms M113V, M110V, M125V, M135V.
Identifiers: ClinVar variation 4728681 (VCV004728681.1).